The following is an entry in ClinVar:

ClinVar aggregate classification (germline): Uncertain significance (1 of 4 stars; one submission).

Conditions:
Ciliary dyskinesia, primary, 40. Also called: CILIARY DYSKINESIA, PRIMARY, 40, WITH OR WITHOUT SITUS INVERSUS. Identifiers: MedGen C4749028, MONDO:0032664, OMIM 618300.

Submission:

Neuberg Centre For Genomic Medicine, NCGM
Classification: Uncertain significance for Ciliary dyskinesia, primary, 40. Review status: criteria provided, single submitter. Criteria: ACMG Guidelines, 2015. Collection method: clinical testing. Allele origin: germline. Inheritance: Autosomal recessive inheritance. Affected: yes.
Comment: The c.13318C>T (p.Gln4440Ter) stop gained variant in DNAH9 gene has not been reported previously as a pathogenic variant nor as a benign variant, to our knowledge. The c.13318C>T variant is novel (not in any individuals) in gnomAD Exomes and 1000 Genomes. Loss of function variants have been previously reported to be disease causing. However since this variant is present in the last exon/penultimate exon functional studies will be required to prove protein truncation. Hence the variant is classified as Variant of Uncertain Significance (VUS).

NM_001372.4(DNAH9):c.13318C>T (p.Gln4440Ter)

Gene: DNAH9 (dynein axonemal heavy chain 9; plus strand). Cytogenetic location: 17p12.
Variant type: single nucleotide variant.
Coding change: c.13318C>T on transcript NM_001372.4 (MANE Select); coding-DNA position 13318, C replaced by T.
Protein change: p.Gln4440Ter; replaces glutamine 4440 with a stop codon.
Molecular consequence: nonsense.
Genome position (GRCh38, 1-based): chr17:11,969,384, C>T. VCF-style: chr17-11969384-C-T. GRCh37 (hg19) VCF-style: chr17-11872701-C-T.
Other names: c.2254C>T, p.Gln752Ter (NM_004662.2); short protein forms Q4440*, Q752*.
Identifiers: ClinVar variation 2584905 (VCV002584905.1), dbSNP rs377362405, ClinGen allele CA287984490.